The following is an entry in ClinVar:

ClinVar aggregate classification (germline): Conflicting classifications of pathogenicity. Review status: criteria provided, conflicting classifications (1 of 4 stars). 6 submissions from 6 submitters: Uncertain significance (1); Benign (3); Likely benign (1). 1 of the submissions does not count toward it. Last evaluated 2026-01-26.

Conditions:
Retinitis pigmentosa 45 (RP45). Identifiers: Orphanet 791, MedGen C3151066, MONDO:0013413, OMIM 613767.
Retinitis pigmentosa (RP). Identifiers: Orphanet 791, MedGen C0035334, MeSH D012174, MONDO:0019200, OMIM 268000. Inheritance: Autosomal dominant, autosomal recessive and X linked inheritance.

Allele frequency attached by ClinVar (database versions not stated): 1000 Genomes Project 0.00839; gnomAD exomes 0.00295; ExAC 0.00324; 1000 Genomes Project 30x 0.00750; gnomAD 0.00030 and 0.00099; ESP Exome Variant Server 0.00032; TOPMed 0.00056.
gnomAD v4.1: 1,940 of 1,612,706 alleles (0.12%); highest among the groups gnomAD compares: South Asian, 1.7%; 32 homozygotes.

Submissions (6):

Labcorp Genetics (formerly Invitae), Labcorp
Classification: Benign. Last evaluated: 2026-01-26. Review status: criteria provided, single submitter. Criteria: Invitae Variant Classification Sherloc (09022015). Collection method: clinical testing. Allele origin: germline.

CeGaT Center for Human Genetics Tuebingen
Classification: Benign. Last evaluated: 2022-08-01. Review status: criteria provided, single submitter. Criteria: CeGaT Center For Human Genetics Tuebingen Variant Classification Criteria Version 2. Collection method: clinical testing. Allele origin: germline. Affected: yes. Observed: 1 variant allele.
Comment: CNGB1: BP4, BS1, BS2

Illumina Laboratory Services, Illumina
Classification: Uncertain significance for Retinitis pigmentosa. Last evaluated: 2018-01-12. Review status: criteria provided, single submitter. Criteria: ICSL Variant Classification Criteria 13 December 2019. Collection method: clinical testing. Allele origin: germline.

Eurofins Ntd Llc (ga)
Classification: Benign. Last evaluated: 2016-11-17. Review status: criteria provided, single submitter. Criteria: EGL Classification Definitions 2015. Collection method: clinical testing. Allele origin: germline. Observed: 1 variant allele, 1 heterozygote.

Clinical Genetics DNA and cytogenetics Diagnostics Lab, Erasmus MC, Erasmus Medical Center
Classification: Likely benign for Retinitis pigmentosa 45. Last evaluated: 2016-07-28. Review status: criteria provided, single submitter. Criteria: ACGS Guidelines, 2013. Collection method: clinical testing. Allele origin: germline. Affected: yes. Study: VKGL Data-share Consensus.

Clinical Genetics, Academic Medical Center
Classification: Benign. Review status: no assertion criteria provided. Collection method: clinical testing. Allele origin: germline. Affected: yes. Study: VKGL Data-share Consensus. Not counted in ClinVar's aggregate classification.

NM_001297.5(CNGB1):c.412+8C>A

Gene: CNGB1 (cyclic nucleotide gated channel subunit beta 1; minus strand). Cytogenetic location: 16q21.
Variant type: single nucleotide variant.
Coding change: c.412+8C>A on transcript NM_001297.5 (MANE Select); 8 bases into the intron after coding-DNA position 412, C replaced by A.
Molecular consequence: intron variant.
Genome position (GRCh38, 1-based): chr16:57,962,834, G>T on the plus strand (C>A on the coding strand, the complement: CNGB1 is on the minus strand). VCF-style: chr16-57962834-G-T. GRCh37 (hg19) VCF-style: chr16-57996738-G-T.
Other names: c.412+8C>A (NM_001286130.2, NM_001135639.2).
Identifiers: ClinVar variation 320108 (VCV000320108.50), dbSNP rs185727761, ClinGen allele CA8083851.